The following is an entry in ClinVar:

ClinVar aggregate classification (germline): Uncertain significance (1 of 4 stars; one submission).

Submission:

Ambry Genetics
Classification: Uncertain significance. Last evaluated: 2022-06-27. Review status: criteria provided, single submitter. Criteria: Ambry Variant Classification Scheme 2023. Collection method: clinical testing. Allele origin: germline.
Comment: The p.D3619E variant (also known as c.10857C>G), located in coding exon 76 of the PRKDC gene, results from a C to G substitution at nucleotide position 10857. The aspartic acid at codon 3619 is replaced by glutamic acid, an amino acid with highly similar properties. This amino acid position is conserved. In addition, this alteration is predicted to be tolerated by in silico analysis. Since supporting evidence is limited at this time, the clinical significance of this alteration remains unclear.

NM_006904.7(PRKDC):c.10857C>G (p.Asp3619Glu)

Gene: PRKDC (protein kinase, DNA-activated, catalytic subunit; minus strand). Cytogenetic location: 8q11.21.
Variant type: single nucleotide variant.
Coding change: c.10857C>G on transcript NM_006904.7 (MANE Select); coding-DNA position 10857, C replaced by G.
Protein change: p.Asp3619Glu; replaces aspartic acid 3619 with glutamic acid.
Molecular consequence: missense variant.
Genome position (GRCh38, 1-based): chr8:47,788,951, G>C on the plus strand (C>G on the coding strand, the complement: PRKDC is on the minus strand). VCF-style: chr8-47788951-G-C. GRCh37 (hg19) VCF-style: chr8-48701512-G-C.
Other names: c.10857C>G, p.Asp3619Glu (NM_001081640.2); short protein forms D3619E.
Identifiers: ClinVar variation 1787391 (VCV001787391.2), dbSNP rs1404078528, ClinGen allele CA371132082.